The following is an entry in ClinVar:

ClinVar aggregate classification (germline): Likely benign (1 of 4 stars; one submission).

Allele frequency attached by ClinVar (database versions not stated): gnomAD 0.00001; gnomAD exomes 0.00002; TOPMed 0.00002.
gnomAD v4.1: 26 of 1,424,204 alleles (0.0018%); highest among the groups gnomAD compares: East Asian, 0.0054%; no homozygotes.

Submission:

GeneDx
Classification: Likely benign. Last evaluated: 2013-04-02. Review status: criteria provided, single submitter. Criteria: GeneDx Variant Classification (06012015). Collection method: clinical testing. Allele origin: germline. Affected: yes.
Comment: This variant is considered likely benign or benign based on one or more of the following criteria: it is a conservative change, it occurs at a poorly conserved position in the protein, it is predicted to be benign by multiple in silico algorithms, and/or has population frequency not consistent with disease.

NM_000548.5(TSC2):c.-38C>T

Genes: TSC2 (TSC complex subunit 2; plus strand), LOC130058210 (ATAC-STARR-seq lymphoblastoid silent region 7024; plus strand). Cytogenetic location: 16p13.3.
Variant type: single nucleotide variant.
Coding change: c.-38C>T on transcript NM_000548.5 (MANE Select); 38 bases upstream of the start codon, C replaced by T.
Molecular consequence: 5 prime UTR variant.
Genome position (GRCh38, 1-based): chr16:2,048,057, C>T. VCF-style: chr16-2048057-C-T. GRCh37 (hg19) VCF-style: chr16-2098058-C-T.
Other names: c.-38C>T (NM_001077183.3, NM_001114382.3, NM_001318827.2 and 4 more transcripts); c.-18C>T (NM_001318829.2); c.-264C>T (NM_001318831.2).
Identifiers: ClinVar variation 207701 (VCV000207701.1), dbSNP rs796053481, ClinGen allele CA319411.